The following is an entry in ClinVar:

ClinVar aggregate classification (germline): Likely pathogenic (1 of 4 stars; one submission).

Conditions:
Cardiovascular phenotype. Identifiers: MedGen CN230736.

Submission:

Ambry Genetics
Classification: Likely pathogenic for Cardiovascular phenotype. Last evaluated: 2025-10-10. Review status: criteria provided, single submitter. Criteria: Ambry Variant Classification Scheme 2023. Collection method: clinical testing. Allele origin: germline.
Comment: The c.30712_30713delTT variant, located in coding exon 123 of the TTN gene, results from a deletion of two nucleotides at nucleotide positions 30712 to 30713, causing a translational frameshift with a predicted alternate stop codon (p.L10238Dfs*6). This exon is located in the A-band region of the N2-B isoform of the titin protein and is constitutively expressed in TTN transcripts (percent spliced in or PSI 100%). This variant was reported in individual(s) with features consistent with dilated cardiomyopathy (Ambry internal data). This variant is considered to be rare based on population cohorts in the Genome Aggregation Database (gnomAD). This variant is expected to result in loss of function by premature protein truncation or nonsense-mediated mRNA decay. While truncating variants in TTN are present in 1-3% of the general population, truncating variants in the A-band are the most common cause of dilated cardiomyopathy (Herman DS et al. N. Engl. J. Med., 2012 Feb;366:619-28; Roberts AM et al. Sci Transl Med, 2015 Jan;7:270ra6). TTN truncating variants encoded in constitutive exons (PSI >90%) have been found to be significantly associated with DCM regardless of their position in titin (Schafer S et al. Nat. Genet., 2017 01;49:46-53; Akhtar MM et al. Circ Heart Fail, 2020 Oct;13:e006832; Massier M et al. Clin Genet, 2025 Jan). Based on the majority of available evidence to date, this variant is likely to be pathogenic.

NM_001267550.2(TTN):c.57907_57908del (p.Leu19303fs)

Genes: TTN (titin; minus strand), TTN-AS1 (TTN antisense RNA 1; plus strand). Cytogenetic location: 2q31.2.
Variant type: Deletion.
Coding change: c.57907_57908del on transcript NM_001267550.2 (MANE Select); coding-DNA positions 57907 to 57908, 2 bases deleted (TT; older notation c.57907_57908delTT).
Protein change: p.Leu19303fs; shifts the reading frame from leucine 19303.
Molecular consequence: frameshift variant.
Genome position (GRCh38, 1-based): chr2:178,594,586-178,594,587, AA deleted on the plus strand (TT on the coding strand, the reverse complement: TTN is on the minus strand); deleting any 2 consecutive bases within chr2:178,594,586-178,594,588 gives the same sequence; the c. name uses the placement nearest the transcript's 3' end. VCF-style (leftmost placement, unchanged base first): chr2-178594585-CAA-C. GRCh37 (hg19) VCF-style: chr2-179459312-CAA-C.
Other names: c.52984_52985del, p.Leu17662fs (NM_001256850.1); c.30712_30713del, p.Leu10238fs (NM_003319.4); c.50203_50204del, p.Leu16735fs (NM_133378.4); c.31087_31088del, p.Leu10363fs (NM_133432.3); c.31288_31289del, p.Leu10430fs (NM_133437.4); c.30712_30713delTT (NM_003319.4); short protein forms L10430fs, L17662fs, L10238fs, L10363fs, L16735fs, L19303fs.
Identifiers: ClinVar variation 4615322 (VCV004615322.1).